The following is an entry in ClinVar:

NM_002087.4(GRN):c.1019A>G (p.His340Arg)

Gene: GRN (granulin precursor; plus strand). Cytogenetic location: 17q21.31.
Variant type: single nucleotide variant.
Coding change: c.1019A>G on transcript NM_002087.4 (MANE Select); coding-DNA position 1019, A replaced by G.
Protein change: p.His340Arg; replaces histidine 340 with arginine.
Molecular consequence: missense variant.
Genome position (GRCh38, 1-based): chr17:44,351,635, A>G. VCF-style: chr17-44351635-A-G. GRCh37 (hg19) VCF-style: chr17-42429003-A-G.
Other names: short protein forms H340R.
Identifiers: ClinVar variation 1521765 (VCV001521765.8), dbSNP rs775196555, ClinGen allele CA399765323.
Genomic context (GRCh38, chr17:44,351,635, plus strand): 5'-ACTGCTGTCCCGCGGGGTTTACGTGTGACACGCAGAAGGGTACCTGTGAACAGGGGCCCC[A>G]CCAGGTGCCCTGGATGGAGAAGGCCCCAGCTCACCTCAGCCTGCCAGACCCACAAGCCTT-3'
Protein context (NP_002078.1, residues 330-350): TQKGTCEQGP[His340Arg]QVPWMEKAPA

ClinVar aggregate classification (germline): Uncertain significance (1 of 4 stars; one submission).

Conditions:
Neuronal ceroid lipofuscinosis 11. Also called: GRN-Related Neuronal Ceroid-Lipofuscinosis. Identifiers: Orphanet 314629, Orphanet 79262, MedGen C3539123, MONDO:0013866, OMIM 614706.
GRN-related frontotemporal lobar degeneration with Tdp43 inclusions (FTD2). Also called: GRN Frontotemporal Dementia; FRONTOTEMPORAL DEMENTIA WITH TDP43 INCLUSIONS, GRN-RELATED; DEMENTIA, HEREDITARY DYSPHASIC DISINHIBITION; FRONTOTEMPORAL LOBAR DEGENERATION WITH UBIQUITIN-POSITIVE INCLUSIONS; FTLD-TDP, GRN-RELATED. Identifiers: Orphanet 100070, Orphanet 282, MedGen C1843792, MONDO:0011842, OMIM 607485. Disease mechanism: loss of function.

Submission:

Labcorp Genetics (formerly Invitae), Labcorp
Classification: Uncertain significance for Neuronal ceroid lipofuscinosis 11; GRN-related frontotemporal lobar degeneration with Tdp43 inclusions. Last evaluated: 2024-10-28. Review status: criteria provided, single submitter. Criteria: Invitae Variant Classification Sherloc (09022015). Collection method: clinical testing. Allele origin: germline.
Comment: This sequence change replaces histidine, which is basic and polar, with arginine, which is basic and polar, at codon 340 of the GRN protein (p.His340Arg). This variant is not present in population databases (gnomAD no frequency). This variant has not been reported in the literature in individuals affected with GRN-related conditions. ClinVar contains an entry for this variant (Variation ID: 1521765). Invitae Evidence Modeling of protein sequence and biophysical properties (such as structural, functional, and spatial information, amino acid conservation, physicochemical variation, residue mobility, and thermodynamic stability) indicates that this missense variant is not expected to disrupt GRN protein function with a negative predictive value of 80%. In summary, the available evidence is currently insufficient to determine the role of this variant in disease. Therefore, it has been classified as a Variant of Uncertain Significance.